The following is an entry in ClinVar:

NM_004006.3(DMD):c.531-11_531-6del

Gene: DMD (dystrophin; minus strand). Cytogenetic location: Xp21.1.
Variant type: Microsatellite.
Coding change: c.531-11_531-6del on transcript NM_004006.3 (MANE Select); 11 bases into the intron before coding-DNA position 531 through 6 bases into the intron before coding-DNA position 531, 6 bases deleted (ATGTGT; older notation c.531-11_531-6delATGTGT).
Molecular consequence: intron variant.
Genome position (GRCh38, 1-based): chrX:32,809,617-32,809,622, ACACAT deleted on the plus strand (ATGTGT on the coding strand, the reverse complement: DMD is on the minus strand); deleting any 6 consecutive bases within chrX:32,809,617-32,809,633 gives the same sequence; the c. name uses the placement nearest the transcript's 3' end. VCF-style (leftmost placement, unchanged base first): chrX-32809616-AACACAT-A. GRCh37 (hg19) VCF-style: chrX-32827733-AACACAT-A.
Other names: c.507-11_507-6del (NM_000109.4); c.519-11_519-6del (NM_004009.3); c.162-11_162-6del (NM_004010.3); c.531-11_531-6delATGTGT (NM_004006.3, NM_004006.2).
Identifiers: ClinVar variation 222550 (VCV000222550.18), dbSNP rs758404687, ClinGen allele CA353960.

ClinVar aggregate classification (germline): Conflicting classifications of pathogenicity. Review status: criteria provided, conflicting classifications (1 of 4 stars). 5 submissions from 5 submitters: Uncertain significance (2); Likely benign (2). 1 of the submissions does not count toward it. Last evaluated 2025-12-14.

Conditions:
Dystrophin deficiency.
Becker muscular dystrophy (BMD). Also called: Becker Muscular Dystrophy (BMD); MUSCULAR DYSTROPHY, PSEUDOHYPERTROPHIC PROGRESSIVE, BECKER TYPE. Identifiers: Orphanet 98895, MedGen C0917713, MONDO:0010311, OMIM 300376.
Duchenne muscular dystrophy (DMD). Also called: Duchenne Muscular Dystrophy (DMD); MUSCULAR DYSTROPHY, PSEUDOHYPERTROPHIC PROGRESSIVE, DUCHENNE TYPE. Identifiers: Orphanet 98896, MedGen C0013264, MONDO:0010679, OMIM 310200.
Cardiomyopathy (CMYO). Also called: Cardiomyopathies. Identifiers: Orphanet 167848, MedGen C0878544, MONDO:0004994, HP:0001638. Inheritance: Various modes of inheritance.

Submissions (5):

Labcorp Genetics (formerly Invitae), Labcorp
Classification: Likely benign for Duchenne muscular dystrophy. Last evaluated: 2025-12-14. Review status: criteria provided, single submitter. Criteria: Invitae Variant Classification Sherloc (09022015). Collection method: clinical testing. Allele origin: germline.

Women's Health and Genetics/Laboratory Corporation of America, LabCorp
Classification: Likely benign. Last evaluated: 2025-06-23. Review status: criteria provided, single submitter. Criteria: LabCorp Variant Classification Summary - May 2015. Collection method: clinical testing. Allele origin: germline.
Comment: Variant summary: DMD c.531-11_531-6delATGTGT alters a nucleotide located at a position not widely known to affect splicing. Consensus agreement among computation tools predict no significant impact on normal splicing. However, these predictions have yet to be confirmed by functional studies. The variant allele was found at a frequency of 4.4e-05 in 183048 control chromosomes. The available data on variant occurrences in the general population are insufficient to allow any conclusion about variant significance. To our knowledge, no occurrence of c.531-11_531-6delATGTGT in individuals affected with Dystrophinopathies and no experimental evidence demonstrating its impact on protein function have been reported. ClinVar contains an entry for this variant (Variation ID: 222550). Based on the evidence outlined above, the variant was classified as likely benign.

Blueprint Genetics
Classification: Uncertain significance. Last evaluated: 2021-01-28. Review status: criteria provided, single submitter. Criteria: ACMG Guidelines, 2015. Collection method: clinical testing. Allele origin: germline.

Eurofins Ntd Llc (ga)
Classification: Uncertain significance. Last evaluated: 2016-09-17. Review status: criteria provided, single submitter. Criteria: EGL Classification Definitions 2015. Collection method: clinical testing. Allele origin: germline. Observed: 1 variant allele, 1 hemizygote.

Natera, Inc.
Classification: Likely benign for Becker muscular dystrophy; Cardiomyopathy; Duchenne muscular dystrophy; Dystrophin deficiency. Last evaluated: 2020-04-23. Review status: no assertion criteria provided. Collection method: clinical testing. Allele origin: germline. Not counted in ClinVar's aggregate classification.